The following is an entry in ClinVar:

ClinVar aggregate classification (germline): Uncertain significance (1 of 4 stars; one submission).

Allele frequency attached by ClinVar (database versions not stated): gnomAD exomes below 0.00001; gnomAD 0.00001; TOPMed 0.00002.
gnomAD v4.1: 6 of 1,608,264 alleles (0.00037%); highest among the groups gnomAD compares: Non-Finnish European, 0.00017%; no homozygotes.

Submission:

CeGaT Center for Human Genetics Tuebingen
Classification: Uncertain significance. Last evaluated: 2022-08-01. Review status: criteria provided, single submitter. Criteria: CeGaT Center For Human Genetics Tuebingen Variant Classification Criteria Version 2. Collection method: clinical testing. Allele origin: germline. Affected: yes. Observed: 1 variant allele.
Comment: PDYN: PM2, BP4

NM_024411.5(PDYN):c.-19-9C>T

Genes: PDYN (prodynorphin; minus strand), PDYN-AS1 (PDYN antisense RNA 1; plus strand). Cytogenetic location: 20p13.
Variant type: single nucleotide variant.
Coding change: c.-19-9C>T on transcript NM_024411.5 (MANE Select); 9 bases into the intron before 19 bases upstream of the start codon, C replaced by T.
Molecular consequence: intron variant.
Genome position (GRCh38, 1-based): chr20:1,983,112, G>A on the plus strand (C>T on the coding strand, the complement: PDYN is on the minus strand). VCF-style: chr20-1983112-G-A. GRCh37 (hg19) VCF-style: chr20-1963758-G-A.
Other names: c.-19-9C>T (NM_001190899.2, NM_001190900.1, NM_001190892.1); c.-16-12C>T (NM_001190898.3).
Identifiers: ClinVar variation 2652141 (VCV002652141.24), dbSNP rs1441628753, ClinGen allele CA741918585.